The following is an entry in ClinVar:

NM_005235.3(ERBB4):c.3170C>T (p.Thr1057Ile)

Gene: ERBB4 (erb-b2 receptor tyrosine kinase 4; minus strand). Cytogenetic location: 2q34.
Variant type: single nucleotide variant.
Coding change: c.3170C>T on transcript NM_005235.3 (MANE Select); coding-DNA position 3170, C replaced by T.
Protein change: p.Thr1057Ile; replaces threonine 1057 with isoleucine.
Molecular consequence: missense variant. On other transcripts: intron variant (2).
Genome position (GRCh38, 1-based): chr2:211,387,958, G>A on the plus strand (C>T on the coding strand, the complement: ERBB4 is on the minus strand). VCF-style: chr2-211387958-G-A. GRCh37 (hg19) VCF-style: chr2-212252683-G-A.
Other names: c.3140C>T, p.Thr1047Ile (NM_001439005.1); c.3136-808C>T (NM_001042599.2); c.3106-808C>T (NM_001439006.1); short protein forms T1057I, T1047I.
Identifiers: ClinVar variation 2636841 (VCV002636841.3), dbSNP rs766441342, ClinGen allele CA2087515.
Genomic context (GRCh38, chr2:211,387,958, plus strand): 5'-AAAGACCGAAAATCCTAAAAGATGAAGGTTGATTGTGAAATACTTACTCCTGACATGGGG[G>A]TGTAGGCAGGAGGAGGGCTGTGTCCAATTTCACTCTAATAGGAAAGAAAAATGGAATGAT-3'
Protein context (NP_005226.1, residues 1047-1067): EIGHSPPPAY[Thr1057Ile]PMSGNQFVYR

ClinVar aggregate classification (germline): Conflicting classifications of pathogenicity. Review status: criteria provided, conflicting classifications (1 of 4 stars). 2 submissions from 2 submitters: Uncertain significance (1); Likely benign (1). Last evaluated 2026-05-01.

Conditions:
ERBB4-related disorder. Also called: ERBB4-related condition.

Allele frequency attached by ClinVar (database versions not stated): ExAC 0.00002; gnomAD 0.00003; TOPMed 0.00003.
gnomAD v4.1: 75 of 1,608,944 alleles (0.0047%); highest among the groups gnomAD compares: Non-Finnish European, 0.0057%; no homozygotes.

Submissions (2):

CeGaT Center for Human Genetics Tuebingen
Classification: Likely benign. Last evaluated: 2026-05-01. Review status: criteria provided, single submitter. Criteria: CeGaT Center For Human Genetics Tuebingen Variant Classification Criteria Version 2. Collection method: clinical testing. Allele origin: germline. Affected: yes. Observed: 1 variant allele.
Comment: ERBB4: BS2

PreventionGenetics, part of Exact Sciences
Classification: Uncertain significance for ERBB4-related condition. Last evaluated: 2022-12-20. Review status: criteria provided, single submitter. Criteria: ACMG Guidelines, 2015. Collection method: clinical testing. Allele origin: germline.
Comment: The ERBB4 c.3170C>T variant is predicted to result in the amino acid substitution p.Thr1057Ile. To our knowledge, this variant has not been reported in the literature. This variant is reported in 0.0026% of alleles in individuals of European (Non-Finnish) descent in gnomAD. At this time, the clinical significance of this variant is uncertain due to the absence of conclusive functional and genetic evidence.